The following is an entry in ClinVar:

ClinVar aggregate classification (germline): Pathogenic (1 of 4 stars; one submission).

Submission:

Labcorp Genetics (formerly Invitae), Labcorp
Classification: Pathogenic. Last evaluated: 2025-04-19. Review status: criteria provided, single submitter. Criteria: Invitae Variant Classification Sherloc (09022015). Collection method: clinical testing. Allele origin: germline.
Comment: This sequence change creates a premature translational stop signal (p.His281Profs*57) in the ALPL gene. It is expected to result in an absent or disrupted protein product. Loss-of-function variants in ALPL are known to be pathogenic (PMID: 3174660, 10679946, 32973344, 33814268). This variant is not present in population databases (gnomAD no frequency). This variant has not been reported in the literature in individuals affected with ALPL-related conditions. ClinVar contains an entry for this variant (Variation ID: 3639425). For these reasons, this variant has been classified as Pathogenic.

Literature cited by the submitters: PubMed 3174660; PubMed 10679946; PubMed 32973344; PubMed 33814268.

NM_000478.6(ALPL):c.841dup (p.His281fs)

Gene: ALPL (alkaline phosphatase, biomineralization associated; plus strand). Cytogenetic location: 1p36.12.
Variant type: Duplication.
Coding change: c.841dup on transcript NM_000478.6 (MANE Select); coding-DNA position 841, one base duplicated (C; older notation c.841dupC).
Protein change: p.His281fs; shifts the reading frame from histidine 281.
Molecular consequence: frameshift variant.
Genome position (GRCh38, 1-based): chr1:21,570,353, C duplicated; the last of 5 consecutive C bases (chr1:21,570,349-21,570,353); duplicating any one gives the same sequence. VCF-style (leftmost placement, unchanged base first): chr1-21570348-A-AC. GRCh37 (hg19) VCF-style: chr1-21896841-A-AC.
Other names: c.676dup, p.His226fs (NM_001127501.4); c.610dup, p.His204fs (NM_001177520.3); c.841dup, p.His281fs (NM_001369803.2, NM_001369804.2, NM_001369805.2); short protein forms H204fs, H281fs, H226fs.
Identifiers: ClinVar variation 3639425 (VCV003639425.2).